The following is an entry in ClinVar:

NM_000168.6(GLI3):c.4046G>A (p.Ser1349Asn)

Gene: GLI3 (GLI family zinc finger 3; minus strand). Cytogenetic location: 7p14.1.
Variant type: single nucleotide variant.
Coding change: c.4046G>A on transcript NM_000168.6 (MANE Select); coding-DNA position 4046, G replaced by A.
Protein change: p.Ser1349Asn; replaces serine 1349 with asparagine.
Molecular consequence: missense variant.
Genome position (GRCh38, 1-based): chr7:41,965,027, C>T on the plus strand (G>A on the coding strand, the complement: GLI3 is on the minus strand). VCF-style: chr7-41965027-C-T. GRCh37 (hg19) VCF-style: chr7-42004625-C-T.
Other names: short protein forms S1349N.
Identifiers: ClinVar variation 2581827 (VCV002581827.1), dbSNP rs1222983446, ClinGen allele CA367315885.

ClinVar aggregate classification (germline): Uncertain significance (1 of 4 stars; one submission).

Allele frequency attached by ClinVar (database versions not stated): gnomAD exomes below 0.00001.
gnomAD v4.1: 5 of 1,613,924 alleles (0.00031%); highest among the groups gnomAD compares: South Asian, 0.0044%; no homozygotes.

Submission:

GeneDx
Classification: Uncertain significance. Last evaluated: 2023-03-28. Review status: criteria provided, single submitter. Criteria: GeneDx Variant Classification Process June 2021. Collection method: clinical testing. Allele origin: germline. Affected: yes.
Comment: In silico analysis supports that this missense variant does not alter protein structure/function; Has not been previously published as pathogenic or benign to our knowledge